The following is an entry in ClinVar:

NM_017780.4(CHD7):c.5720C>T (p.Ser1907Leu)

Gene: CHD7 (chromodomain helicase DNA binding protein 7; plus strand). Cytogenetic location: 8q12.2.
Variant type: single nucleotide variant.
Coding change: c.5720C>T on transcript NM_017780.4 (MANE Select); coding-DNA position 5720, C replaced by T.
Protein change: p.Ser1907Leu; replaces serine 1907 with leucine.
Molecular consequence: missense variant. On other transcripts: intron variant (1).
Genome position (GRCh38, 1-based): chr8:60,852,073, C>T. VCF-style: chr8-60852073-C-T. GRCh37 (hg19) VCF-style: chr8-61764632-C-T.
Other names: c.1717-10156C>T (NM_001316690.1); short protein forms S1907L.
Identifiers: ClinVar variation 1749286 (VCV001749286.2), dbSNP rs2488029536, ClinGen allele CA371322522.
Genomic context (GRCh38, chr8:60,852,073, plus strand): 5'-CCCCAGGCAAGCACAGTGAGAGTAATGCTGAGTTAGGCCAACTTTACTGGCCTAACACTT[C>T]AACCCTGACTACACGTCTGCGCCGGCTCATTACTGCCTATCAGCGCAGCTATAAAAGGCA-3'
Protein context (NP_060250.2, residues 1897-1917): ELGQLYWPNT[Ser1907Leu]TLTTRLRRLI

ClinVar aggregate classification (germline): Uncertain significance (1 of 4 stars; one submission).

Conditions:
Inborn genetic diseases. Identifiers: MedGen C0950123, MeSH D030342.

Submission:

Ambry Genetics
Classification: Uncertain significance for Inborn genetic diseases. Last evaluated: 2018-01-24. Review status: criteria provided, single submitter. Criteria: Ambry Variant Classification Scheme 2023. Collection method: clinical testing. Allele origin: germline.
Comment: The p.S1907L variant (also known as c.5720C>T), located in coding exon 28 of the CHD7 gene, results from a C to T substitution at nucleotide position 5720. The serine at codon 1907 is replaced by leucine, an amino acid with dissimilar properties. This amino acid position is highly conserved in available vertebrate species. In addition, this alteration is predicted to be deleterious by in silico analysis. Since supporting evidence is limited at this time, the clinical significance of this alteration remains unclear.

Literature cited by the submitters: PubMed 24840056.